The following is an entry in ClinVar:

NM_000297.4(PKD2):c.803C>G (p.Thr268Ser)

Gene: PKD2 (polycystin 2, transient receptor potential cation channel; plus strand). Cytogenetic location: 4q22.1.
Variant type: single nucleotide variant.
Coding change: c.803C>G on transcript NM_000297.4 (MANE Select); coding-DNA position 803, C replaced by G.
Protein change: p.Thr268Ser; replaces threonine 268 with serine.
Molecular consequence: missense variant. On other transcripts: non-coding transcript variant (1).
Genome position (GRCh38, 1-based): chr4:88,036,313, C>G. VCF-style: chr4-88036313-C-G. GRCh37 (hg19) VCF-style: chr4-88957465-C-G.
Other names: short protein forms T268S.
Identifiers: ClinVar variation 3619979 (VCV003619979.2).

ClinVar aggregate classification (germline): Uncertain significance (1 of 4 stars; one submission).

Conditions:
Autosomal dominant polycystic kidney disease. Identifiers: Orphanet 730, MedGen C0085413, MONDO:0004691.

gnomAD v4.1: 4 of 1,614,084 alleles (0.00025%); highest among the groups gnomAD compares: Admixed American, 0.0067%; no homozygotes.

Submission:

Labcorp Genetics (formerly Invitae), Labcorp
Classification: Uncertain significance for Autosomal dominant polycystic kidney disease. Last evaluated: 2024-06-08. Review status: criteria provided, single submitter. Criteria: Invitae Variant Classification Sherloc (09022015). Collection method: clinical testing. Allele origin: germline.
Comment: This sequence change replaces threonine, which is neutral and polar, with serine, which is neutral and polar, at codon 268 of the PKD2 protein (p.Thr268Ser). This variant is present in population databases (rs746891220, gnomAD 0.01%). This variant has not been reported in the literature in individuals affected with PKD2-related conditions. Advanced modeling of protein sequence and biophysical properties (such as structural, functional, and spatial information, amino acid conservation, physicochemical variation, residue mobility, and thermodynamic stability) performed at Invitae indicates that this missense variant is not expected to disrupt PKD2 protein function with a negative predictive value of 80%. In summary, the available evidence is currently insufficient to determine the role of this variant in disease. Therefore, it has been classified as a Variant of Uncertain Significance.